The following is an entry in ClinVar:

ClinVar aggregate classification (germline): Uncertain significance (1 of 4 stars; one submission).

Conditions:
Hereditary cancer-predisposing syndrome. Also called: Hereditary neoplastic syndrome; Tumor predisposition; Hereditary Cancer Syndrome; Neoplastic Syndromes, Hereditary. Identifiers: Orphanet 140162, MedGen C0027672, MeSH D009386, MONDO:0015356.

Allele frequency attached by ClinVar (database versions not stated): gnomAD exomes below 0.00001.
gnomAD v4.1: 3 of 1,609,154 alleles (0.00019%); highest among the groups gnomAD compares: South Asian, 0.0022%; no homozygotes.

Submission:

Ambry Genetics
Classification: Uncertain significance for Hereditary cancer-predisposing syndrome. Last evaluated: 2023-09-04. Review status: criteria provided, single submitter. Criteria: Ambry Variant Classification Scheme 2023. Collection method: clinical testing. Allele origin: germline.
Comment: The p.T564I variant (also known as c.1691C>T), located in coding exon 11 of the RAD50 gene, results from a C to T substitution at nucleotide position 1691. The threonine at codon 564 is replaced by isoleucine, an amino acid with similar properties. This amino acid position is conserved. In addition, this alteration is predicted to be tolerated by in silico analysis. Since supporting evidence is limited at this time, the clinical significance of this alteration remains unclear.

NM_005732.4(RAD50):c.1691C>T (p.Thr564Ile)

Gene: RAD50 (RAD50 double strand break repair protein; plus strand). Cytogenetic location: 5q31.1.
Variant type: single nucleotide variant.
Coding change: c.1691C>T on transcript NM_005732.4 (MANE Select); coding-DNA position 1691, C replaced by T.
Protein change: p.Thr564Ile; replaces threonine 564 with isoleucine.
Molecular consequence: missense variant.
Genome position (GRCh38, 1-based): chr5:132,591,932, C>T. VCF-style: chr5-132591932-C-T. GRCh37 (hg19) VCF-style: chr5-131927624-C-T.
Other names: short protein forms T564I.
Identifiers: ClinVar variation 2586255 (VCV002586255.2), dbSNP rs1257718478, ClinGen allele CA360946444.